The following is an entry in ClinVar:

NM_020297.4(ABCC9):c.2233A>G (p.Arg745Gly)

Gene: ABCC9 (ATP binding cassette subfamily C member 9; minus strand). Cytogenetic location: 12p12.1.
Variant type: single nucleotide variant.
Coding change: c.2233A>G on transcript NM_020297.4 (MANE Select); coding-DNA position 2233, A replaced by G.
Protein change: p.Arg745Gly; replaces arginine 745 with glycine.
Molecular consequence: missense variant.
Genome position (GRCh38, 1-based): chr12:21,864,443, T>C on the plus strand (A>G on the coding strand, the complement: ABCC9 is on the minus strand). VCF-style: chr12-21864443-T-C. GRCh37 (hg19) VCF-style: chr12-22017377-T-C.
Other names: c.2233A>G, p.Arg745Gly (NM_001377273.1, NM_005691.4); c.1369A>G, p.Arg457Gly (NM_001377274.1); short protein forms R457G, R745G.
Identifiers: ClinVar variation 4779987 (VCV004779987.2).
Genomic context (GRCh38, chr12:21,864,443, plus strand): 5'-AAAGTCTGAGGAAGGAAGTTATTCTTATTAAACTCAGGTTAAAATAGAAATAATACCTTC[T>C]GGTTGCTTCAAAAGAAGGCTCAGATTCATTTACACTGCAAGTATGGCAAACAATGTTCAT-3'
Protein context (NP_064693.2, residues 735-755): NESEPSFEAT[Arg745Gly]SRNRYSVAYA

ClinVar aggregate classification (germline): Uncertain significance. Review status: criteria provided, multiple submitters, no conflicts (2 of 4 stars). 2 submissions from 2 submitters: Uncertain significance (2). Last evaluated 2025-08-03.

Conditions:
Dilated cardiomyopathy 1O (CMD1O). Also called: CARDIOMYOPATHY, DILATED, WITH VENTRICULAR TACHYCARDIA. Identifiers: Orphanet 154, MedGen C1837839, MONDO:0012062, OMIM 608569.

gnomAD v4.1: 3 of 1,585,364 alleles (0.00019%); no homozygotes.

Submissions (2):

Labcorp Genetics (formerly Invitae), Labcorp
Classification: Uncertain significance for Dilated cardiomyopathy 1O. Last evaluated: 2025-08-03. Review status: criteria provided, single submitter. Criteria: Invitae Variant Classification Sherloc (09022015). Collection method: clinical testing. Allele origin: germline.
Comment: This sequence change replaces arginine, which is basic and polar, with glycine, which is neutral and non-polar, at codon 745 of the ABCC9 protein (p.Arg745Gly). This variant is present in population databases (no rsID available, gnomAD 0.004%). This variant has not been reported in the literature in individuals affected with ABCC9-related conditions. Invitae Evidence Modeling of protein sequence and biophysical properties (such as structural, functional, and spatial information, amino acid conservation, physicochemical variation, residue mobility, and thermodynamic stability) indicates that this missense variant is not expected to disrupt ABCC9 protein function with a negative predictive value of 95%. In summary, the available evidence is currently insufficient to determine the role of this variant in disease. Therefore, it has been classified as a Variant of Uncertain Significance.

Blueprint Genetics
Classification: Uncertain significance. Last evaluated: 2019-12-27. Review status: criteria provided, single submitter. Criteria: ACMG Guidelines, 2015. Collection method: clinical testing. Allele origin: germline.